The following is an entry in ClinVar:

ClinVar aggregate classification (germline): Uncertain significance (1 of 4 stars; one submission).

Conditions:
Developmental and epileptic encephalopathy, 9 (DEE9). Also called: EPILEPSY, FEMALE-RESTRICTED, WITH MENTAL RETARDATION; Early infantile epileptic encephalopathy 9; JUBERG-HELLMAN SYNDROME; PCDH19-Related X-Linked Female-Limited Epilepsy with Mental Retardation. Identifiers: Orphanet 101039, Orphanet 2076, MedGen C1848137, MONDO:0010246, OMIM 300088. Disease mechanism: loss of function.

Allele frequency attached by ClinVar (database versions not stated): TOPMed 0.00002.

Submission:

Labcorp Genetics (formerly Invitae), Labcorp
Classification: Uncertain significance for Developmental and epileptic encephalopathy, 9. Last evaluated: 2022-11-24. Review status: criteria provided, single submitter. Criteria: Invitae Variant Classification Sherloc (09022015). Collection method: clinical testing. Allele origin: germline.
Comment: In summary, the available evidence is currently insufficient to determine the role of this variant in disease. Therefore, it has been classified as a Variant of Uncertain Significance. Advanced modeling of protein sequence and biophysical properties (such as structural, functional, and spatial information, amino acid conservation, physicochemical variation, residue mobility, and thermodynamic stability) performed at Invitae indicates that this missense variant is not expected to disrupt PCDH19 protein function. This variant has not been reported in the literature in individuals affected with PCDH19-related conditions. This variant is not present in population databases (gnomAD no frequency). This sequence change replaces methionine, which is neutral and non-polar, with leucine, which is neutral and non-polar, at codon 1122 of the PCDH19 protein (p.Met1122Leu).

NM_001184880.2(PCDH19):c.3364A>C (p.Met1122Leu)

Gene: PCDH19 (protocadherin 19; minus strand). Cytogenetic location: Xq22.1.
Variant type: single nucleotide variant.
Coding change: c.3364A>C on transcript NM_001184880.2 (MANE Select); coding-DNA position 3364, A replaced by C.
Protein change: p.Met1122Leu; replaces methionine 1122 with leucine.
Molecular consequence: missense variant.
Genome position (GRCh38, 1-based): chrX:100,296,360, T>G on the plus strand (A>C on the coding strand, the complement: PCDH19 is on the minus strand). VCF-style: chrX-100296360-T-G. GRCh37 (hg19) VCF-style: chrX-99551358-T-G.
Other names: c.3223A>C, p.Met1075Leu (NM_001105243.2); c.3220A>C, p.Met1074Leu (NM_020766.3); short protein forms M1122L, M1074L, M1075L.
Identifiers: ClinVar variation 3017162 (VCV003017162.3), dbSNP rs1449640534, ClinGen allele CA413999485.